The following is an entry in ClinVar:

ClinVar aggregate classification (germline): Uncertain significance (1 of 4 stars; one submission).

gnomAD v4.1: 11 of 1,450,850 alleles (0.00076%); highest among the groups gnomAD compares: Non-Finnish European, 0.00099%; no homozygotes.

Submission:

Labcorp Genetics (formerly Invitae), Labcorp
Classification: Uncertain significance. Last evaluated: 2024-10-17. Review status: criteria provided, single submitter. Criteria: Invitae Variant Classification Sherloc (09022015). Collection method: clinical testing. Allele origin: germline.
Comment: This sequence change replaces valine, which is neutral and non-polar, with leucine, which is neutral and non-polar, at codon 8 of the LONP1 protein (p.Val8Leu). This variant is present in population databases (no rsID available, gnomAD 0.004%). This variant has not been reported in the literature in individuals affected with LONP1-related conditions. ClinVar contains an entry for this variant (Variation ID: 2055984). Invitae Evidence Modeling of protein sequence and biophysical properties (such as structural, functional, and spatial information, amino acid conservation, physicochemical variation, residue mobility, and thermodynamic stability) indicates that this missense variant is not expected to disrupt LONP1 protein function with a negative predictive value of 95%. In summary, the available evidence is currently insufficient to determine the role of this variant in disease. Therefore, it has been classified as a Variant of Uncertain Significance.

NM_004793.4(LONP1):c.22G>C (p.Val8Leu)

Gene: LONP1 (lon peptidase 1, mitochondrial; minus strand). Cytogenetic location: 19p13.3.
Variant type: single nucleotide variant.
Coding change: c.22G>C on transcript NM_004793.4 (MANE Select); coding-DNA position 22, G replaced by C.
Protein change: p.Val8Leu; replaces valine 8 with leucine.
Molecular consequence: missense variant. On other transcripts: non-coding transcript variant (1), intron variant (1).
Genome position (GRCh38, 1-based): chr19:5,720,111, C>G on the plus strand (G>C on the coding strand, the complement: LONP1 is on the minus strand). VCF-style: chr19-5720111-C-G. GRCh37 (hg19) VCF-style: chr19-5720122-C-G.
Other names: c.22G>C, p.Val8Leu (NM_001276479.2); c.-160+108G>C (NM_001276480.1); short protein forms V8L.
Identifiers: ClinVar variation 2055984 (VCV002055984.4), dbSNP rs1258789305, ClinGen allele CA403544813.